The following is an entry in ClinVar:

NM_033028.5(BBS4):c.332+1G>T

Gene: BBS4 (Bardet-Biedl syndrome 4; plus strand). Cytogenetic location: 15q24.1.
Variant type: single nucleotide variant.
Coding change: c.332+1G>T on transcript NM_033028.5 (MANE Select); the canonical splice donor site of the intron after coding-DNA position 332, G replaced by T.
Molecular consequence: splice donor variant.
Genome position (GRCh38, 1-based): chr15:72,715,403, G>T. VCF-style: chr15-72715403-G-T. GRCh37 (hg19) VCF-style: chr15-73007744-G-T.
Other names: c.332+1G>T (NM_001320665.2); c.-190+1G>T (NM_001252678.2).
Identifiers: ClinVar variation 2692645 (VCV002692645.3), dbSNP rs2542950527, ClinGen allele CA393076910.
Genomic context (GRCh38, chr15:72,715,403, plus strand): 5'-GACATGTGCAGTTCTTAGTCCTCAGAGTGCTGATAACCTCAAGCAGGTGGCCAGATCTTT[G>T]TGAGTATTGGCAACCTGGAGGCCCTAGGGCACTCACAGAGAACAGTGTAAAATGCATTCC-3'

ClinVar aggregate classification (germline): Likely pathogenic (1 of 4 stars; one submission).

Conditions:
Bardet-Biedl syndrome (BBS). Identifiers: Orphanet 110, MedGen C0752166, MONDO:0015229.

Submission:

Labcorp Genetics (formerly Invitae), Labcorp
Classification: Likely pathogenic for Bardet-Biedl syndrome. Last evaluated: 2023-06-05. Review status: criteria provided, single submitter. Criteria: Invitae Variant Classification Sherloc (09022015). Collection method: clinical testing. Allele origin: germline.
Comment: In summary, the currently available evidence indicates that the variant is pathogenic, but additional data are needed to prove that conclusively. Therefore, this variant has been classified as Likely Pathogenic. Algorithms developed to predict the effect of sequence changes on RNA splicing suggest that this variant may disrupt the consensus splice site. This variant has not been reported in the literature in individuals affected with BBS4-related conditions. This variant is not present in population databases (gnomAD no frequency). This sequence change affects a donor splice site in intron 5 of the BBS4 gene. It is expected to disrupt RNA splicing. Variants that disrupt the donor or acceptor splice site typically lead to a loss of protein function (PMID: 16199547), and loss-of-function variants in BBS4 are known to be pathogenic (PMID: 11381270, 12016587, 20177705, 27894351).

Literature cited by the submitters: PubMed 16199547; PubMed 11381270; PubMed 12016587; PubMed 20177705; PubMed 27894351.